The following is an entry in ClinVar:

ClinVar aggregate classification (germline): Uncertain significance. Review status: criteria provided, multiple submitters, no conflicts (2 of 4 stars). 2 submissions from 2 submitters: Uncertain significance (2). Last evaluated 2026-08-06.

Conditions:
Hereditary cancer-predisposing syndrome. Also called: Tumor predisposition; Hereditary neoplastic syndrome; Neoplastic Syndromes, Hereditary; Hereditary Cancer Syndrome. Identifiers: Orphanet 140162, MedGen C0027672, MeSH D009386, MONDO:0015356.

Submissions (2):

Ambry Genetics
Classification: Uncertain significance for Hereditary cancer-predisposing syndrome. Last evaluated: 2026-08-06. Review status: criteria provided, single submitter. Criteria: Ambry Variant Classification Scheme 2023. Collection method: clinical testing. Allele origin: germline.
Comment: The p.E36K variant (also known as c.106G>A), located in coding exon 2 of the POLE gene, results from a G to A substitution at nucleotide position 106. The glutamic acid at codon 36 is replaced by lysine, an amino acid with similar properties. This amino acid position is highly conserved in available vertebrate species. In addition, the in silico prediction for this alteration is inconclusive. Based on the available evidence, the clinical significance of this variant remains unclear.

Labcorp Genetics (formerly Invitae), Labcorp
Classification: Uncertain significance. Last evaluated: 2022-07-29. Review status: criteria provided, single submitter. Criteria: Invitae Variant Classification Sherloc (09022015). Collection method: clinical testing. Allele origin: germline.
Comment: This sequence change replaces glutamic acid, which is acidic and polar, with lysine, which is basic and polar, at codon 36 of the POLE protein (p.Glu36Lys). This variant is not present in population databases (gnomAD no frequency). This variant has not been reported in the literature in individuals affected with POLE-related conditions. Algorithms developed to predict the effect of missense changes on protein structure and function (SIFT, PolyPhen-2, Align-GVGD) all suggest that this variant is likely to be tolerated. In summary, the available evidence is currently insufficient to determine the role of this variant in disease. Therefore, it has been classified as a Variant of Uncertain Significance.

NM_006231.4(POLE):c.106G>A (p.Glu36Lys)

Gene: POLE (DNA polymerase epsilon, catalytic subunit; minus strand). Cytogenetic location: 12q24.33.
Variant type: single nucleotide variant.
Coding change: c.106G>A on transcript NM_006231.4 (MANE Select); coding-DNA position 106, G replaced by A.
Protein change: p.Glu36Lys; replaces glutamic acid 36 with lysine.
Molecular consequence: missense variant.
Genome position (GRCh38, 1-based): chr12:132,681,236, C>T on the plus strand (G>A on the coding strand, the complement: POLE is on the minus strand). VCF-style: chr12-132681236-C-T. GRCh37 (hg19) VCF-style: chr12-133257822-C-T.
Other names: c.106G>A (NM_006231.2); short protein forms E36K.
Identifiers: ClinVar variation 1714281 (VCV001714281.6), dbSNP rs370268888, ClinGen allele CA387370413.